The following is an entry in ClinVar:

NM_198904.4(GABRG2):c.1208C>T (p.Thr403Ile)

Gene: GABRG2 (gamma-aminobutyric acid type A receptor subunit gamma2; plus strand). Cytogenetic location: 5q34.
Variant type: single nucleotide variant.
Coding change: c.1208C>T on transcript NM_198904.4 (MANE Select); coding-DNA position 1208, C replaced by T.
Protein change: p.Thr403Ile; replaces threonine 403 with isoleucine.
Molecular consequence: missense variant. On other transcripts: 3 prime UTR variant (1).
Genome position (GRCh38, 1-based): chr5:162,153,148, C>T. VCF-style: chr5-162153148-C-T. GRCh37 (hg19) VCF-style: chr5-161580154-C-T.
Other names: c.1184C>T, p.Thr395Ile (NM_000816.3); c.1199C>T, p.Thr400Ile (NM_001375339.1); c.*42C>T (NM_001375340.1); c.1205C>T, p.Thr402Ile (NM_001375341.1); c.1181C>T, p.Thr394Ile (NM_001375342.1); c.1304C>T, p.Thr435Ile (NM_001375343.1); c.1247C>T, p.Thr416Ile (NM_001375344.1); c.1118C>T, p.Thr373Ile (NM_001375345.1); and 6 more; short protein forms T255I, T263I, T300I, T373I, T374I, T381I, T394I, T395I.
Identifiers: ClinVar variation 1007702 (VCV001007702.10), dbSNP rs1765495907, ClinGen allele CA362183325.

ClinVar aggregate classification (germline): Uncertain significance (1 of 4 stars; one submission).

Conditions:
EPILEPSY, CHILDHOOD ABSENCE, SUSCEPTIBILITY TO, 2 (ECA2). Identifiers: Orphanet 64280, MedGen C1843244, OMIM 607681.
Febrile seizures, familial, 8 (FEB8). Also called: CONVULSIONS, FAMILIAL FEBRILE, 8. Identifiers: Orphanet 36387, MedGen C1969810, MONDO:0011891, OMIM 607681.

Allele frequency attached by ClinVar (database versions not stated): gnomAD exomes below 0.00001; gnomAD 0.00001.
gnomAD v4.1: 4 of 1,613,928 alleles (0.00025%); highest among the groups gnomAD compares: African/African-American, 0.0013%; no homozygotes.

Submission:

Labcorp Genetics (formerly Invitae), Labcorp
Classification: Uncertain significance for Febrile seizures, familial, 8; EPILEPSY, CHILDHOOD ABSENCE, SUSCEPTIBILITY TO, 2. Last evaluated: 2020-02-21. Review status: criteria provided, single submitter. Criteria: Invitae Variant Classification Sherloc (09022015). Collection method: clinical testing. Allele origin: germline.
Comment: In summary, the available evidence is currently insufficient to determine the role of this variant in disease. Therefore, it has been classified as a Variant of Uncertain Significance. This sequence change replaces threonine with isoleucine at codon 395 of the GABRG2 protein (p.Thr395Ile). The threonine residue is moderately conserved and there is a moderate physicochemical difference between threonine and isoleucine. This variant is not present in population databases (ExAC no frequency). This variant has not been reported in the literature in individuals with GABRG2-related conditions. Algorithms developed to predict the effect of missense changes on protein structure and function (SIFT, PolyPhen-2, Align-GVGD) all suggest that this variant is likely to be tolerated, but these predictions have not been confirmed by published functional studies and their clinical significance is uncertain.